The following is an entry in ClinVar:

NM_001039591.3(USP9X):c.2637-2A>G

Gene: USP9X (ubiquitin specific peptidase 9 X-linked; plus strand). Cytogenetic location: Xp11.4.
Variant type: single nucleotide variant.
Coding change: c.2637-2A>G on transcript NM_001039591.3 (MANE Select); the canonical splice acceptor site of the intron before coding-DNA position 2637, A replaced by G.
Molecular consequence: splice acceptor variant.
Genome position (GRCh38, 1-based): chrX:41,169,993, A>G. VCF-style: chrX-41169993-A-G. GRCh37 (hg19) VCF-style: chrX-41029246-A-G.
Other names: c.2652-2A>G (NM_001410748.1, NM_001410749.1); c.2637-2A>G (NM_001039590.3).
Identifiers: ClinVar variation 3067618 (VCV003067618.21), dbSNP rs2519224395, ClinGen allele CA412757942.

ClinVar aggregate classification (germline): Pathogenic (1 of 4 stars; one submission).

Submission:

CeGaT Center for Human Genetics Tuebingen
Classification: Pathogenic. Last evaluated: 2024-03-01. Review status: criteria provided, single submitter. Criteria: CeGaT Center For Human Genetics Tuebingen Variant Classification Criteria Version 2. Collection method: clinical testing. Allele origin: germline. Affected: yes. Observed: 1 variant allele.
Comment: USP9X: PVS1, PM2